The following is an entry in ClinVar:

ClinVar aggregate classification (germline): Uncertain significance (1 of 4 stars; one submission).

Conditions:
Anterior segment dysgenesis. Also called: Ocular anterior segment dysgenesis. Identifiers: Orphanet 88632, MedGen C1862839, MONDO:0019503, HP:0007700.
Congenital primary aphakia. Also called: Anterior segment dysgenesis 2, multiple subtypes; ANTERIOR SEGMENT DYSGENESIS 2. Identifiers: Orphanet 83461, MedGen C1853230, MONDO:0012456, OMIM 610256.

Allele frequency attached by ClinVar (database versions not stated): gnomAD exomes below 0.00001; TOPMed 0.00001.

Submission:

Labcorp Genetics (formerly Invitae), Labcorp
Classification: Uncertain significance for Anterior segment dysgenesis; Congenital primary aphakia. Last evaluated: 2025-09-22. Review status: criteria provided, single submitter. Criteria: Invitae Variant Classification Sherloc (09022015). Collection method: clinical testing. Allele origin: germline.
Comment: This sequence change replaces phenylalanine, which is neutral and non-polar, with serine, which is neutral and polar, at codon 217 of the FOXE3 protein (p.Phe217Ser). This variant is not present in population databases (gnomAD no frequency). This variant has not been reported in the literature in individuals affected with FOXE3-related conditions. ClinVar contains an entry for this variant (Variation ID: 2116660). Invitae Evidence Modeling of protein sequence and biophysical properties (such as structural, functional, and spatial information, amino acid conservation, physicochemical variation, residue mobility, and thermodynamic stability) indicates that this missense variant is not expected to disrupt FOXE3 protein function with a negative predictive value of 80%. In summary, the available evidence is currently insufficient to determine the role of this variant in disease. Therefore, it has been classified as a Variant of Uncertain Significance.

NM_012186.3(FOXE3):c.650T>C (p.Phe217Ser)

Genes: LINC01389 (long independently transcribed non-coding RNA 1389; minus strand), FOXE3 (forkhead box E3; plus strand). Cytogenetic location: 1p33.
Variant type: single nucleotide variant.
Coding change: c.650T>C on transcript NM_012186.3 (MANE Select); coding-DNA position 650, T replaced by C.
Protein change: p.Phe217Ser; replaces phenylalanine 217 with serine.
Molecular consequence: missense variant.
Genome position (GRCh38, 1-based): chr1:47,416,965, T>C. VCF-style: chr1-47416965-T-C. GRCh37 (hg19) VCF-style: chr1-47882637-T-C.
Other names: short protein forms F217S.
Identifiers: ClinVar variation 2116660 (VCV002116660.4), dbSNP rs1472890770, ClinGen allele CA340250413.